The following is an entry in ClinVar:

ClinVar aggregate classification (germline): Uncertain significance. Review status: criteria provided, multiple submitters, no conflicts (2 of 4 stars). 2 submissions from 2 submitters: Uncertain significance (2). Last evaluated 2025-08-09.

Conditions:
DICER1-related tumor predisposition. Also called: DICER1 syndrome; DICER1-related pleuropulmonary blastoma cancer predisposition syndrome. Identifiers: Orphanet 284343, MedGen C3839822, MONDO:0100216.
Hereditary cancer-predisposing syndrome. Also called: Hereditary neoplastic syndrome; Neoplastic Syndromes, Hereditary; Hereditary Cancer Syndrome; Tumor predisposition. Identifiers: Orphanet 140162, MedGen C0027672, MeSH D009386, MONDO:0015356.

Submissions (2):

Labcorp Genetics (formerly Invitae), Labcorp
Classification: Uncertain significance for DICER1-related tumor predisposition. Last evaluated: 2025-08-09. Review status: criteria provided, single submitter. Criteria: Invitae Variant Classification Sherloc (09022015). Collection method: clinical testing. Allele origin: germline.
Comment: This sequence change replaces lysine, which is basic and polar, with asparagine, which is neutral and polar, at codon 1272 of the DICER1 protein (p.Lys1272Asn). This variant is not present in population databases (gnomAD no frequency). This variant has not been reported in the literature in individuals affected with DICER1-related conditions. ClinVar contains an entry for this variant (Variation ID: 574125). Invitae Evidence Modeling of protein sequence and biophysical properties (such as structural, functional, and spatial information, amino acid conservation, physicochemical variation, residue mobility, and thermodynamic stability) indicates that this missense variant is not expected to disrupt DICER1 protein function with a negative predictive value of 95%. In summary, the available evidence is currently insufficient to determine the role of this variant in disease. Therefore, it has been classified as a Variant of Uncertain Significance.

Ambry Genetics
Classification: Uncertain significance for Hereditary cancer-predisposing syndrome. Last evaluated: 2025-04-05. Review status: criteria provided, single submitter. Criteria: Ambry Variant Classification Scheme 2023. Collection method: clinical testing. Allele origin: germline.
Comment: The p.K1272N variant (also known as c.3816G>C), located in coding exon 20 of the DICER1 gene, results from a G to C substitution at nucleotide position 3816. The lysine at codon 1272 is replaced by asparagine, an amino acid with similar properties. This amino acid position is not well conserved in available vertebrate species. In addition, this alteration is predicted to be tolerated by in silico analysis. Since supporting evidence is limited at this time, the clinical significance of this alteration remains unclear.

NM_177438.3(DICER1):c.3816G>C (p.Lys1272Asn)

Gene: DICER1 (dicer 1, ribonuclease III; minus strand). Cytogenetic location: 14q32.13.
Variant type: single nucleotide variant.
Coding change: c.3816G>C on transcript NM_177438.3 (MANE Select); coding-DNA position 3816, G replaced by C.
Protein change: p.Lys1272Asn; replaces lysine 1272 with asparagine.
Molecular consequence: missense variant.
Genome position (GRCh38, 1-based): chr14:95,103,580, C>G on the plus strand (G>C on the coding strand, the complement: DICER1 is on the minus strand). VCF-style: chr14-95103580-C-G. GRCh37 (hg19) VCF-style: chr14-95569917-C-G.
Other names: c.3816G>C, p.Lys1272Asn (NM_001195573.1, NM_001271282.3, NM_001291628.2 and 1 more transcripts); short protein forms K1272N.
Identifiers: ClinVar variation 574125 (VCV000574125.13), dbSNP rs1566767268, ClinGen allele CA390873387.